The following is an entry in ClinVar:

NM_000140.5(FECH):c.185C>G (p.Pro62Arg)

Gene: FECH (ferrochelatase; minus strand). Cytogenetic location: 18q21.31.
Variant type: single nucleotide variant.
Coding change: c.185C>G on transcript NM_000140.5 (MANE Select); coding-DNA position 185, C replaced by G.
Protein change: p.Pro62Arg; replaces proline 62 with arginine.
Molecular consequence: missense variant. On other transcripts: 5 prime UTR variant (1).
Genome position (GRCh38, 1-based): chr18:57,580,082, G>C on the plus strand (C>G on the coding strand, the complement: FECH is on the minus strand). VCF-style: chr18-57580082-G-C. GRCh37 (hg19) VCF-style: chr18-55247314-G-C.
Other names: p.Pro62Arg; c.185C>G, p.Pro62Arg (NM_001012515.4, NM_001371094.1, NM_001374778.1); c.-32C>G (NM_001371095.1); c.185C>G (NM_000140.4); short protein forms P62R.
Identifiers: ClinVar variation 631803 (VCV000631803.14), dbSNP rs150830931, ClinGen allele CA8973300.

ClinVar aggregate classification (germline): Conflicting classifications of pathogenicity. Review status: criteria provided, conflicting classifications (1 of 4 stars). 3 submissions from 3 submitters: Uncertain significance (1); Likely benign (2). Last evaluated 2025-12-11.

Conditions:
FECH-related disorder. Also called: FECH-related condition.

Allele frequency attached by ClinVar (database versions not stated): TOPMed 0.00110; gnomAD 0.00124; ESP Exome Variant Server 0.00161.

Submissions (3):

Labcorp Genetics (formerly Invitae), Labcorp
Classification: Likely benign. Last evaluated: 2025-12-11. Review status: criteria provided, single submitter. Criteria: Invitae Variant Classification Sherloc (09022015). Collection method: clinical testing. Allele origin: germline.

PreventionGenetics, part of Exact Sciences
Classification: Likely benign for FECH-related condition. Last evaluated: 2025-03-11. Review status: criteria provided, single submitter. Criteria: ACMG Guidelines, 2015. Collection method: clinical testing. Allele origin: germline.
Comment: This variant is classified as likely benign based on ACMG/AMP sequence variant interpretation guidelines (Richards et al. 2015 PMID: 25741868, with internal and published modifications).

Mayo Clinic Laboratories, Mayo Clinic
Classification: Uncertain significance. Last evaluated: 2022-10-13. Review status: criteria provided, single submitter. Criteria: ACMG Guidelines, 2015. Collection method: clinical testing. Allele origin: germline. Observed: 1 variant allele.
Comment: PP4, PM2, PM3

Literature cited by the submitters: PubMed 12063482 (cited by Mayo Clinic Laboratories, Mayo Clinic); PubMed 16844398 (cited by Mayo Clinic Laboratories, Mayo Clinic).